The following is an entry in ClinVar:

ClinVar aggregate classification (germline): Uncertain significance (1 of 4 stars; one submission).

Conditions:
Hyperekplexia 3 (HKPX3). Also called: HYPEREKPLEXIA 3, AUTOSOMAL RECESSIVE; HYPEREKPLEXIA 3, AUTOSOMAL DOMINANT. Identifiers: Orphanet 3197, MedGen C3553288, MONDO:0013827, OMIM 614618.

Allele frequency attached by ClinVar (database versions not stated): TOPMed below 0.00001.

Submission:

Labcorp Genetics (formerly Invitae), Labcorp
Classification: Uncertain significance for Hyperekplexia 3. Last evaluated: 2024-10-24. Review status: criteria provided, single submitter. Criteria: Invitae Variant Classification Sherloc (09022015). Collection method: clinical testing. Allele origin: germline.
Comment: This sequence change replaces phenylalanine, which is neutral and non-polar, with cysteine, which is neutral and slightly polar, at codon 518 of the SLC6A5 protein (p.Phe518Cys). This variant is not present in population databases (gnomAD no frequency). This variant has not been reported in the literature in individuals affected with SLC6A5-related conditions. ClinVar contains an entry for this variant (Variation ID: 2038092). Invitae Evidence Modeling of protein sequence and biophysical properties (such as structural, functional, and spatial information, amino acid conservation, physicochemical variation, residue mobility, and thermodynamic stability) has been performed for this missense variant. However, the output from this modeling did not meet the statistical confidence thresholds required to predict the impact of this variant on SLC6A5 protein function. In summary, the available evidence is currently insufficient to determine the role of this variant in disease. Therefore, it has been classified as a Variant of Uncertain Significance.

NM_004211.5(SLC6A5):c.1553T>G (p.Phe518Cys)

Gene: SLC6A5 (solute carrier family 6 member 5; plus strand). Cytogenetic location: 11p15.1.
Variant type: single nucleotide variant.
Coding change: c.1553T>G on transcript NM_004211.5 (MANE Select); coding-DNA position 1553, T replaced by G.
Protein change: p.Phe518Cys; replaces phenylalanine 518 with cysteine.
Molecular consequence: missense variant.
Genome position (GRCh38, 1-based): chr11:20,630,744, T>G. VCF-style: chr11-20630744-T-G. GRCh37 (hg19) VCF-style: chr11-20652290-T-G.
Other names: c.851T>G, p.Phe284Cys (NM_001318369.2); short protein forms F518C, F284C.
Identifiers: ClinVar variation 2038092 (VCV002038092.4), dbSNP rs1853093543, ClinGen allele CA379917509.
Genomic context (GRCh38, chr11:20,630,744, plus strand): 5'-CTTCCAGGGACACTCTAATTGTCACCTGCACCAACAGTGCCACAAGCATCTTTGCCGGCT[T>G]CGTCATCTTCTCCGTTATCGGCTTCATGGCCAATGAACGCAAAGTCAACATTGAGAATGT-3'
Protein context (NP_004202.4, residues 508-528): TNSATSIFAG[Phe518Cys]VIFSVIGFMA